The following is an entry in ClinVar:

ClinVar aggregate classification (germline): Conflicting classifications of pathogenicity. Review status: criteria provided, conflicting classifications (1 of 4 stars). 3 submissions from 3 submitters: Uncertain significance (2); Likely benign (1). Last evaluated 2024-10-24.

Conditions:
Inborn genetic diseases. Identifiers: MedGen C0950123, MeSH D030342.

gnomAD v4.1: 5 of 1,209,786 alleles (0.00041%); highest among the groups gnomAD compares: African/African-American, 0.007%; no homozygotes.

Submissions (3):

Labcorp Genetics (formerly Invitae), Labcorp
Classification: Uncertain significance. Last evaluated: 2024-10-24. Review status: criteria provided, single submitter. Criteria: Invitae Variant Classification Sherloc (09022015). Collection method: clinical testing. Allele origin: germline.
Comment: This sequence change replaces glycine, which is neutral and non-polar, with arginine, which is basic and polar, at codon 89 of the TAF1 protein (p.Gly89Arg). This variant is present in population databases (no rsID available, gnomAD 0.02%). This variant has not been reported in the literature in individuals affected with TAF1-related conditions. Invitae Evidence Modeling of protein sequence and biophysical properties (such as structural, functional, and spatial information, amino acid conservation, physicochemical variation, residue mobility, and thermodynamic stability) indicates that this missense variant is not expected to disrupt TAF1 protein function with a negative predictive value of 80%. In summary, the available evidence is currently insufficient to determine the role of this variant in disease. Therefore, it has been classified as a Variant of Uncertain Significance.

Ambry Genetics
Classification: Likely benign for Inborn genetic diseases. Last evaluated: 2024-07-09. Review status: criteria provided, single submitter. Criteria: Ambry Variant Classification Scheme 2023. Collection method: clinical testing. Allele origin: germline.

GeneDx
Classification: Uncertain significance. Last evaluated: 2024-04-03. Review status: criteria provided, single submitter. Criteria: GeneDx Variant Classification Process June 2021. Collection method: clinical testing. Allele origin: germline. Affected: yes.
Comment: In silico analysis supports that this missense variant does not alter protein structure/function; Has not been previously published as pathogenic or benign to our knowledge

NM_004606.5(TAF1):c.205G>A (p.Gly69Arg)

Gene: TAF1 (TATA-box binding protein associated factor 1; plus strand). Cytogenetic location: Xq13.1.
Variant type: single nucleotide variant.
Coding change: c.205G>A on transcript NM_004606.5 (MANE Select); coding-DNA position 205, G replaced by A.
Protein change: p.Gly69Arg; replaces glycine 69 with arginine.
Molecular consequence: missense variant. On other transcripts: non-coding transcript variant (9).
Genome position (GRCh38, 1-based): chrX:71,367,583, G>A. VCF-style: chrX-71367583-G-A. GRCh37 (hg19) VCF-style: chrX-70587433-G-A.
Other names: c.265G>A (NM_004606.3); c.205G>A, p.Gly69Arg (NM_001286074.2, NM_138923.4); short protein forms G69R.
Identifiers: ClinVar variation 3371412 (VCV003371412.4).